The following is an entry in ClinVar:

ClinVar aggregate classification (germline): Benign (1 of 4 stars; one submission).

Allele frequency attached by ClinVar (database versions not stated): 1000 Genomes Project 30x 0.31746; 1000 Genomes Project 0.31829; TOPMed 0.38588; gnomAD 0.40633 and 0.40690.
gnomAD v4.1: 62,100 of 152,086 alleles (41%); highest among the groups gnomAD compares: Non-Finnish European, 53%; 14,357 homozygotes.

Submission:

GeneDx
Classification: Benign. Last evaluated: 2018-06-19. Review status: criteria provided, single submitter. Criteria: GeneDx Variant Classification (06012015). Collection method: clinical testing. Allele origin: germline. Affected: yes.
Comment: This variant is considered likely benign or benign based on one or more of the following criteria: it is a conservative change, it occurs at a poorly conserved position in the protein, it is predicted to be benign by multiple in silico algorithms, and/or has population frequency not consistent with disease.

NM_002778.4(PSAP):c.174+216T>C

Gene: PSAP (prosaposin; minus strand). Cytogenetic location: 10q22.1.
Variant type: single nucleotide variant.
Coding change: c.174+216T>C on transcript NM_002778.4 (MANE Select); 216 bases into the intron after coding-DNA position 174, T replaced by C.
Molecular consequence: intron variant.
Genome position (GRCh38, 1-based): chr10:71,834,156, A>G on the plus strand (T>C on the coding strand, the complement: PSAP is on the minus strand). VCF-style: chr10-71834156-A-G. GRCh37 (hg19) VCF-style: chr10-73593913-A-G.
Other names: c.174+216T>C (NM_001042466.3, NM_001042465.3).
Identifiers: ClinVar variation 680720 (VCV000680720.1), dbSNP rs3747855, ClinGen allele CA13159504.